The following is an entry in ClinVar:

NM_001267550.2(TTN):c.40368dup (p.Pro13457fs)

Gene: TTN (titin; minus strand). Cytogenetic location: 2q31.2.
Variant type: Duplication.
Coding change: c.40368dup on transcript NM_001267550.2 (MANE Select); coding-DNA position 40368, one base duplicated (A; older notation c.40368dupA).
Protein change: p.Pro13457fs; shifts the reading frame from proline 13457.
Molecular consequence: frameshift variant. On other transcripts: intron variant (3).
Genome position (GRCh38, 1-based): chr2:178,645,960, T duplicated on the plus strand (A on the coding strand, the reverse complement: TTN is on the minus strand). VCF-style (leftmost placement, unchanged base first): chr2-178645959-G-GT. GRCh37 (hg19) VCF-style: chr2-179510686-G-GT.
Other names: c.35445dup, p.Pro11816fs (NM_001256850.1); c.32664dup, p.Pro10889fs (NM_133378.4); c.13283-3643dup (NM_003319.4); c.13859-3643dup (NM_133437.4); c.13658-3643dup (NM_133432.3); short protein forms P10889fs, P11816fs, P13457fs.
Identifiers: ClinVar variation 4880538 (VCV004880538.2).

ClinVar aggregate classification (germline): Likely pathogenic (1 of 4 stars; one submission).

Submission:

Dasa
Classification: Likely pathogenic. Last evaluated: 2026-01-02. Review status: criteria provided, single submitter. Criteria: DASA Assertion Criteria. Collection method: clinical testing. Allele origin: germline.
Comment: NM_001267550.2(TTN):c.40368dup (p.Pro13457Thrfs*2) is a frameshift variant in TTN predicted to alter the reading frame and introduce a premature termination codon and is predicted to result in an absent or altered protein product. Loss of function is an established disease mechanism for TTN-associated disorders. Also, this variant is absent from population databases. Based on the currently available evidence, this variant is classified as likely pathogenic.